The following is an entry in ClinVar:

ClinVar aggregate classification (germline): Likely pathogenic (1 of 4 stars; one submission).

Submission:

GeneDx
Classification: Likely pathogenic. Last evaluated: 2025-07-10. Review status: criteria provided, single submitter. Criteria: GeneDx Variant Classification Process June 2021. Collection method: clinical testing. Allele origin: germline. Affected: yes.
Comment: In silico analysis supports that this missense variant has a deleterious effect on protein structure/function; Not observed at significant frequency in large population cohorts (gnomAD); This variant is associated with the following publications: (PMID: 34211179)

NM_003128.3(SPTBN1):c.1231C>T (p.Arg411Trp)

Gene: SPTBN1 (spectrin beta, non-erythrocytic 1; plus strand). Cytogenetic location: 2p16.2.
Variant type: single nucleotide variant.
Coding change: c.1231C>T on transcript NM_003128.3 (MANE Select); coding-DNA position 1231, C replaced by T.
Protein change: p.Arg411Trp; replaces arginine 411 with tryptophan.
Molecular consequence: missense variant.
Genome position (GRCh38, 1-based): chr2:54,624,852, C>T. VCF-style: chr2-54624852-C-T. GRCh37 (hg19) VCF-style: chr2-54851989-C-T.
Other names: c.1192C>T, p.Arg398Trp (NM_178313.3); short protein forms R398W, R411W.
Identifiers: ClinVar variation 4685098 (VCV004685098.1).